The following is an entry in ClinVar:

NM_016180.5(SLC45A2):c.395C>T (p.Ala132Val)

Gene: SLC45A2 (solute carrier family 45 member 2; minus strand). Cytogenetic location: 5p13.2.
Variant type: single nucleotide variant.
Coding change: c.395C>T on transcript NM_016180.5 (MANE Select); coding-DNA position 395, C replaced by T.
Protein change: p.Ala132Val; replaces alanine 132 with valine.
Molecular consequence: missense variant.
Genome position (GRCh38, 1-based): chr5:33,982,403, G>A on the plus strand (C>T on the coding strand, the complement: SLC45A2 is on the minus strand). VCF-style: chr5-33982403-G-A. GRCh37 (hg19) VCF-style: chr5-33982508-G-A.
Other names: c.395C>T, p.Ala132Val (NM_001012509.4, NM_001297417.4); short protein forms A132V.
Identifiers: ClinVar variation 4687318 (VCV004687318.1).

ClinVar aggregate classification (germline): Uncertain significance (1 of 4 stars; one submission).

Submission:

Women's Health and Genetics/Laboratory Corporation of America, LabCorp
Classification: Uncertain significance. Last evaluated: 2025-10-14. Review status: criteria provided, single submitter. Criteria: LabCorp Variant Classification Summary - May 2015. Collection method: clinical testing. Allele origin: germline.
Comment: Variant summary: SLC45A2 c.395C>T (p.Ala132Val) results in a non-conservative amino acid change in the encoded protein sequence. Algorithms developed to predict the effect of missense changes on protein structure and function are either unavailable or do not agree on the potential impact of this missense change. The variant was absent in 250744 control chromosomes. The available data on variant occurrences in the general population are insufficient to allow any conclusion about variant significance. c.395C>T has been observed in an individual affected with Oculocutaneous albinism type 4 (Lasseuax_2018). These data do not allow any conclusion about variant significance. To our knowledge, no experimental evidence demonstrating an impact on protein function has been reported. The following publication have been ascertained in the context of this evaluation (PMID: 29345414). No submitters have cited clinical-significance assessments for this variant to ClinVar. Based on the evidence outlined above, the variant was classified as uncertain significance.

Literature cited by the submitters: PubMed 29345414.